The following is an entry in ClinVar:

ClinVar aggregate classification (germline): Uncertain significance (1 of 4 stars; one submission).

Submission:

GeneDx
Classification: Uncertain significance. Last evaluated: 2019-09-22. Review status: criteria provided, single submitter. Criteria: GeneDx Variant Classification Process June 2021. Collection method: clinical testing. Allele origin: germline. Affected: yes.
Comment: Not observed in large population cohorts (Lek et al., 2016); Nonsense variant predicted to result in protein truncation or nonsense mediated decay in a gene for which loss-of-function is not a known mechanism of disease; Has not been previously published as pathogenic or benign to our knowledge; Variants in candidate genes are classified as variants of uncertain significance in accordance with ACMG guidelines (Richards et al., 2015)

NM_015355.4(SUZ12):c.1002G>A (p.Trp334Ter)

Gene: SUZ12 (SUZ12 polycomb repressive complex 2 subunit; plus strand). Cytogenetic location: 17q11.2.
Variant type: single nucleotide variant.
Coding change: c.1002G>A on transcript NM_015355.4 (MANE Select); coding-DNA position 1002, G replaced by A.
Protein change: p.Trp334Ter; replaces tryptophan 334 with a stop codon.
Molecular consequence: nonsense.
Genome position (GRCh38, 1-based): chr17:31,983,083, G>A. VCF-style: chr17-31983083-G-A. GRCh37 (hg19) VCF-style: chr17-30310102-G-A.
Other names: c.933G>A, p.Trp311Ter (NM_001321207.2); short protein forms W311*, W334*.
Identifiers: ClinVar variation 1312210 (VCV001312210.2), dbSNP rs2142194404, ClinGen allele CA399027733.
Genomic context (GRCh38, chr17:31,983,083, plus strand): 5'-ATATGAAGTAGCCATGCAGGAAATGGAAGAATGTCCAATAAGCAAGAAAAGAGCAACATG[G>A]GAGACTATTCTTGATGGGAAGGTATGGACTACTTAGAAGGTTGAGCACGTTATAGTTATG-3'